The following is an entry in ClinVar:

NM_000540.3(RYR1):c.8482G>A (p.Glu2828Lys)

Genes: RYR1 (ryanodine receptor 1; plus strand), LOC126862902 (BRD4-independent group 4 enhancer GRCh37_chr19:38995830-38997029; plus strand). Cytogenetic location: 19q13.2.
Variant type: single nucleotide variant.
Coding change: c.8482G>A on transcript NM_000540.3 (MANE Select); coding-DNA position 8482, G replaced by A.
Protein change: p.Glu2828Lys; replaces glutamic acid 2828 with lysine.
Molecular consequence: missense variant.
Genome position (GRCh38, 1-based): chr19:38,505,887, G>A. VCF-style: chr19-38505887-G-A. GRCh37 (hg19) VCF-style: chr19-38996527-G-A.
Other names: c.8482G>A, p.Glu2828Lys (NM_001042723.2); short protein forms E2828K.
Identifiers: ClinVar variation 3385474 (VCV003385474.1).

ClinVar aggregate classification (germline): Uncertain significance (1 of 4 stars; one submission).

Conditions:
Malignant hyperthermia, susceptibility to, 1 (MHS1). Also called: Anesthesia related hyperthermia; Malignant hyperpyrexia; Fulminating hyperpyrexia; Pharmacogenic myopathy; Malignant hyperthermia suceptibility 1; RYR1-Related Malignant Hyperthermia Susceptibility. Identifiers: Orphanet 423, MedGen C2930980, MONDO:0007783, OMIM 145600.

Submission:

All of Us Research Program, National Institutes of Health
Classification: Uncertain significance for Malignant hyperthermia, susceptibility to, 1. Last evaluated: 2024-04-25. Review status: criteria provided, single submitter. Criteria: ACMG Guidelines, 2015. Collection method: clinical testing. Allele origin: germline. Inheritance: Autosomal dominant inheritance. Observed: 1 variant allele, 1 heterozygote.
Comment: This missense variant replaces glutamic acid with lysine at codon 2828 of the RYR1 protein. Computational prediction is inconclusive regarding the impact of this variant on protein structure and function (internally defined REVEL score threshold 0.5 < inconclusive < 0.7, PMID: 27666373). To our knowledge, functional studies have not been reported for this variant. This variant has not been reported in individuals affected with RYR1-related disorders in the literature. This variant has not been identified in the general population by the Genome Aggregation Database (gnomAD). The available evidence is insufficient to determine the role of this variant in disease conclusively. Therefore, this variant is classified as a Variant of Uncertain Significance.

This study involves interpretation of variants in research participants for the purpose of population health screening. Participant phenotype was not available at the time of variant classification. Additional details can be found in publication PMID: 35346344, PMCID: PMC8962531